The following is an entry in ClinVar:

NM_001377.3(DYNC2H1):c.5911C>T (p.Gln1971Ter)

Gene: DYNC2H1 (dynein cytoplasmic 2 heavy chain 1; plus strand). Cytogenetic location: 11q22.3.
Variant type: single nucleotide variant.
Coding change: c.5911C>T on transcript NM_001377.3 (MANE Select); coding-DNA position 5911, C replaced by T.
Protein change: p.Gln1971Ter; replaces glutamine 1971 with a stop codon.
Molecular consequence: nonsense.
Genome position (GRCh38, 1-based): chr11:103,177,592, C>T. VCF-style: chr11-103177592-C-T. GRCh37 (hg19) VCF-style: chr11-103048321-C-T.
Other names: c.5911C>T, p.Gln1971Ter (NM_001080463.2); short protein forms Q1971*.
Identifiers: ClinVar variation 5013465 (VCV005013465.1).
Genomic context (GRCh38, chr11:103,177,592, plus strand): 5'-ATGAACATATTTCTTTCCTACTAGATCAAAAAGGCTTTAGAATTGTATGAACAGTTATGC[C>T]AGAGGATGGGAGTTGTTATTGTTGGTCCAAGTGGTGCTGGAAAATCAACGCTTTGGAGAA-3'

ClinVar aggregate classification (germline): Pathogenic (1 of 4 stars; one submission).

Conditions:
Asphyxiating thoracic dystrophy 3. Also called: Saldino-Noonan Syndrome; SHORT-RIB THORACIC DYSPLASIA 3 WITH OR WITHOUT POLYDACTYLY; POLYDACTYLY WITH NEONATAL CHONDRODYSTROPHY, TYPE I; SHORT-RIB THORACIC DYSPLASIA 3/6 WITH POLYDACTYLY, DIGENIC; Short rib polydactyly syndrome 2B. Identifiers: Orphanet 474, Orphanet 93269, Orphanet 93270, Orphanet 93271, MedGen C0036069, MONDO:0013127, OMIM 613091.

Submission:

Myriad Genetics, Inc.
Classification: Pathogenic for Asphyxiating thoracic dystrophy 3. Last evaluated: 2024-08-20. Review status: criteria provided, single submitter. Criteria: Myriad Autosomal Dominant, Autosomal Recessive and X-Linked Classification Criteria (2023). Collection method: clinical testing. Allele origin: unknown.
Comment: NM_001377.2(DYNC2H1):c.5911C>T(Q1971*) is expected to be pathogenic in the context of DYNC2H1-related disorders. This variant is predicted to lead to an abnormal or absent protein product due to the creation of a premature termination codon in DYNC2H1, a gene where loss-of-function variants are known to be pathogenic. Please note: this variant was assessed in the context of healthy population screening.